The following is an entry in ClinVar:

NM_005045.4(RELN):c.2176T>A (p.Phe726Ile)

Gene: RELN (reelin; minus strand). Cytogenetic location: 7q22.1.
Variant type: single nucleotide variant.
Coding change: c.2176T>A on transcript NM_005045.4 (MANE Select); coding-DNA position 2176, T replaced by A.
Protein change: p.Phe726Ile; replaces phenylalanine 726 with isoleucine.
Molecular consequence: missense variant.
Genome position (GRCh38, 1-based): chr7:103,636,362, A>T on the plus strand (T>A on the coding strand, the complement: RELN is on the minus strand). VCF-style: chr7-103636362-A-T. GRCh37 (hg19) VCF-style: chr7-103276809-A-T.
Other names: c.2176T>A, p.Phe726Ile (NM_173054.3); short protein forms F726I.
Identifiers: ClinVar variation 289517 (VCV000289517.13), dbSNP rs200007424, ClinGen allele CA4422056.

ClinVar aggregate classification (germline): Uncertain significance. Review status: criteria provided, multiple submitters, no conflicts (2 of 4 stars). 3 submissions from 3 submitters: Uncertain significance (3). Last evaluated 2025-08-14.

Conditions:
Norman-Roberts syndrome (LIS2). Also called: Lissencephaly 2 (Norman-Roberts type). Identifiers: Orphanet 89844, MedGen C0796089, MONDO:0009760, OMIM 257320.
Familial temporal lobe epilepsy 7. Identifiers: Orphanet 101046, MedGen C4225327, MONDO:0014639, OMIM 616436.

Allele frequency attached by ClinVar (database versions not stated): ExAC 0.00002; gnomAD exomes 0.00002 and 0.00005; gnomAD 0.00003; TOPMed 0.00004; 1000 Genomes Project 30x 0.00016; 1000 Genomes Project 0.00020.
gnomAD v4.1: 73 of 1,613,928 alleles (0.0045%); highest among the groups gnomAD compares: Non-Finnish European, 0.0062%; no homozygotes.

Submissions (3):

Labcorp Genetics (formerly Invitae), Labcorp
Classification: Uncertain significance for Familial temporal lobe epilepsy 7; Norman-Roberts syndrome. Last evaluated: 2025-08-14. Review status: criteria provided, single submitter. Criteria: Invitae Variant Classification Sherloc (09022015). Collection method: clinical testing. Allele origin: germline.
Comment: This sequence change replaces phenylalanine, which is neutral and non-polar, with isoleucine, which is neutral and non-polar, at codon 726 of the RELN protein (p.Phe726Ile). This variant is present in population databases (rs200007424, gnomAD 0.004%). This variant has not been reported in the literature in individuals affected with RELN-related conditions. ClinVar contains an entry for this variant (Variation ID: 289517). Invitae Evidence Modeling of protein sequence and biophysical properties (such as structural, functional, and spatial information, amino acid conservation, physicochemical variation, residue mobility, and thermodynamic stability) indicates that this missense variant is not expected to disrupt RELN protein function with a negative predictive value of 80%. In summary, the available evidence is currently insufficient to determine the role of this variant in disease. Therefore, it has been classified as a Variant of Uncertain Significance.

Women's Health and Genetics/Laboratory Corporation of America, LabCorp
Classification: Uncertain significance. Last evaluated: 2024-01-22. Review status: criteria provided, single submitter. Criteria: LabCorp Variant Classification Summary - May 2015. Collection method: clinical testing. Allele origin: germline.
Comment: Variant summary: RELN c.2176T>A (p.Phe726Ile) results in a non-conservative amino acid change in the encoded protein sequence. Four of five in-silico tools predict a damaging effect of the variant on protein function. The variant allele was found at a frequency of 2e-05 in 250914 control chromosomes (gnomAD). The available data on variant occurrences in the general population are insufficient to allow any conclusion about variant significance. To our knowledge, no occurrence of c.2176T>A in individuals affected with Epilepsy Familial Temporal Lobe 7 and no experimental evidence demonstrating its impact on protein function have been reported. ClinVar contains an entry for this variant (Variation ID: 289517). Based on the evidence outlined above, the variant was classified as uncertain significance.

Eurofins Ntd Llc (ga)
Classification: Uncertain significance. Last evaluated: 2016-08-09. Review status: criteria provided, single submitter. Criteria: EGL Classification Definitions 2015. Collection method: clinical testing. Allele origin: germline. Observed: 1 variant allele, 1 heterozygote.